The following is an entry in ClinVar:

ClinVar aggregate classification (germline): Uncertain significance (1 of 4 stars; one submission).

Conditions:
Hereditary cancer-predisposing syndrome. Also called: Hereditary neoplastic syndrome; Hereditary Cancer Syndrome; Neoplastic Syndromes, Hereditary; Tumor predisposition. Identifiers: Orphanet 140162, MedGen C0027672, MeSH D009386, MONDO:0015356.

Submission:

Ambry Genetics
Classification: Uncertain significance for Hereditary cancer-predisposing syndrome. Last evaluated: 2023-03-30. Review status: criteria provided, single submitter. Criteria: Ambry Variant Classification Scheme 2023. Collection method: clinical testing. Allele origin: germline.
Comment: The c.2839-4_2839-3insL1 variant results from the insertion of an L1 element between nucleotides c.2839-4 and c.2839-3 in intron 17 of the ATM gene. Mobile element insertions contribute to pathogenicity by either disrupting the coding sequence or inducing aberrant splicing (Belancio VP et al. Semin. Cancer Biol. 2010 Aug;20:200-10; Deininger P et al. Genome Biol. 2011 Dec;12:236; van der Klift HM Hum Mutat. 2012 Jul;33(7):1051-5); however, direct evidence for this alteration is insufficient at this time (Ambry internal data). Since supporting evidence is limited at this time, the clinical significance of this alteration remains unclear.

NM_000051.3:c.2839-4_2839-3insL1

Gene: ATM (ATM serine/threonine kinase; plus strand).
Variant type: Insertion.
Identifiers: ClinVar variation 2568152 (VCV002568152.2).